The following is an entry in ClinVar:

NM_002227.4(JAK1):c.2483T>C (p.Met828Thr)

Gene: JAK1 (Janus kinase 1; minus strand). Cytogenetic location: 1p31.3.
Variant type: single nucleotide variant.
Coding change: c.2483T>C on transcript NM_002227.4 (MANE Select); coding-DNA position 2483, T replaced by C.
Protein change: p.Met828Thr; replaces methionine 828 with threonine.
Molecular consequence: missense variant.
Genome position (GRCh38, 1-based): chr1:64,841,522, A>G on the plus strand (T>C on the coding strand, the complement: JAK1 is on the minus strand). VCF-style: chr1-64841522-A-G. GRCh37 (hg19) VCF-style: chr1-65307205-A-G.
Other names: c.2483T>C, p.Met828Thr (NM_001320923.2, NM_001321852.2, NM_001321853.2 and 3 more transcripts); c.2480T>C, p.Met827Thr (NM_001321857.2); short protein forms M827T, M828T.
Identifiers: ClinVar variation 2779261 (VCV002779261.3), dbSNP rs754073577, ClinGen allele CA892658.
Genomic context (GRCh38, chr1:64,841,522, plus strand): 5'-AGCTTATTAATGTCTCTCATGATGGCTCGGAAGAAAGGCCTCTGATTGGGGTCATAGTTC[A>G]TGCAGCGGGTCATGAGGTCAGCCAGCTCCTTACATGATGGTGTCACTGGCCTGCACCGGC-3'
Protein context (NP_002218.2, residues 818-838): KELADLMTRC[Met828Thr]NYDPNQRPFF

ClinVar aggregate classification (germline): Uncertain significance (1 of 4 stars; one submission).

Allele frequency attached by ClinVar (database versions not stated): gnomAD exomes below 0.00001; gnomAD 0.00001; ExAC 0.00001.
gnomAD v4.1: 8 of 1,614,038 alleles (0.0005%); highest among the groups gnomAD compares: South Asian, 0.0077%; no homozygotes.

Submission:

Labcorp Genetics (formerly Invitae), Labcorp
Classification: Uncertain significance. Last evaluated: 2025-07-02. Review status: criteria provided, single submitter. Criteria: Invitae Variant Classification Sherloc (09022015). Collection method: clinical testing. Allele origin: germline.
Comment: This sequence change replaces methionine, which is neutral and non-polar, with threonine, which is neutral and polar, at codon 828 of the JAK1 protein (p.Met828Thr). This variant is present in population databases (rs754073577, gnomAD 0.006%). This variant has not been reported in the literature in individuals affected with JAK1-related conditions. ClinVar contains an entry for this variant (Variation ID: 2779261). Invitae Evidence Modeling of protein sequence and biophysical properties (such as structural, functional, and spatial information, amino acid conservation, physicochemical variation, residue mobility, and thermodynamic stability) indicates that this missense variant is not expected to disrupt JAK1 protein function with a negative predictive value of 80%. In summary, the available evidence is currently insufficient to determine the role of this variant in disease. Therefore, it has been classified as a Variant of Uncertain Significance.